The following is an entry in ClinVar:

NM_004415.4(DSP):c.6553C>T (p.Gln2185Ter)

Gene: DSP (desmoplakin; plus strand). Cytogenetic location: 6p24.3.
Variant type: single nucleotide variant.
Coding change: c.6553C>T on transcript NM_004415.4 (MANE Select); coding-DNA position 6553, C replaced by T.
Protein change: p.Gln2185Ter; replaces glutamine 2185 with a stop codon.
Molecular consequence: nonsense.
Genome position (GRCh38, 1-based): chr6:7,583,815, C>T. VCF-style: chr6-7583815-C-T. GRCh37 (hg19) VCF-style: chr6-7584048-C-T.
Other names: c.4756C>T, p.Gln1586Ter (NM_001008844.3); c.5224C>T, p.Gln1742Ter (NM_001319034.2); short protein forms Q2185*, Q1586*, Q1742*.
Identifiers: ClinVar variation 2453241 (VCV002453241.3), dbSNP rs1166221355, ClinGen allele CA362691044.
Genomic context (GRCh38, chr6:7,583,815, plus strand): 5'-CCCCGAGATAGTCAGAAAAACTTTGTGGATCCAGTCACCAAAAAGAAGGTCAGTTACGTG[C>T]AGCTGAAGGAACGGTGCAGAATCGAACCACATACTGGTCTGCTCTTGCTTTCAGTACAGA-3'

ClinVar aggregate classification (germline): Pathogenic. Review status: criteria provided, multiple submitters, no conflicts (2 of 4 stars). 2 submissions from 2 submitters: Pathogenic (2). Last evaluated 2025-06-09.

Conditions:
Cardiomyopathy (CMYO). Also called: Cardiomyopathies. Identifiers: Orphanet 167848, MedGen C0878544, MONDO:0004994, HP:0001638. Inheritance: Various modes of inheritance.
Cardiovascular phenotype. Identifiers: MedGen CN230736.

gnomAD v4.1: 1 of 1,614,118 alleles (0.000062%); highest among the groups gnomAD compares: Non-Finnish European, 0.000085%; no homozygotes.

Submissions (2):

Color Diagnostics, LLC DBA Color Health
Classification: Pathogenic for Cardiomyopathy. Last evaluated: 2025-06-09. Review status: criteria provided, single submitter. Criteria: ACMG Guidelines, 2015. Collection method: clinical testing. Allele origin: germline.
Comment: This variant changes 1 nucleotide in exon 24 of the DSP gene, creating a premature translation stop signal in the last exon. This variant is expected to result in a non-functional protein product. that lacks the plakin repeat domains and amino acids at the C-terminal extremity of the protein that have been reported to be essential for coalignment and binding of intermediate filaments (PMID: 12101406, 12802069, 21756917). To our knowledge, this variant has not been reported in individuals affected with DSP-related disorders in the literature. This variant has been identified in 1/251480 chromosomes in the general population by the Genome Aggregation Database (gnomAD). Loss of DSP function is a known mechanism of disease. Based on the available evidence, this variant is classified as Pathogenic.

Ambry Genetics
Classification: Pathogenic for Cardiovascular phenotype. Last evaluated: 2022-12-16. Review status: criteria provided, single submitter. Criteria: Ambry Variant Classification Scheme 2023. Collection method: clinical testing. Allele origin: germline.
Comment: The p.Q2185* pathogenic mutation (also known as c.6553C>T), located in coding exon 24 of the DSP gene, results from a C to T substitution at nucleotide position 6553. This changes the amino acid from a glutamine to a stop codon within coding exon 24. This alteration occurs at the 3' terminus of the DSP gene, is not expected to trigger nonsense-mediated mRNA decay, and impacts the last 687 amino acids (24%) of the protein. However, premature stop codons are typically deleterious in nature and the impacted region is critical for protein function (Ambry internal data). Alterations in DSP that result in haploinsufficiency or protein truncation have been reported in patients with arrhythmogenic right ventricular cardiomyopathy (ARVC) and dilated cardiomyopathy (DCM) (Fressart V et al. Europace. 2010;12(6):861-8; Elliott P et al. Circ Cardiovasc Genet. 2010;3(4):314-22; Quarta G et al. Circulation. 2011;123(23):2701-9; Garcia-Pavia P et al. Heart. 2011;97(21):1744-52; Rasmussen TB et al. Clin Genet. 2013;84(1):20-30; Pugh TJ et al. Genet Med. 2014;16(8):601-8). Based on the supporting evidence, this alteration is interpreted as a disease-causing mutation.

Literature cited by the submitters: PubMed 12101406 (cited by Color Diagnostics, LLC DBA Color Health); PubMed 12802069 (cited by Color Diagnostics, LLC DBA Color Health); PubMed 21756917 (cited by Color Diagnostics, LLC DBA Color Health).